The following is an entry in ClinVar:

ClinVar aggregate classification (germline): Uncertain significance (1 of 4 stars; one submission).

Conditions:
Charcot-Marie-Tooth disease axonal type 2Z. Also called: CHARCOT-MARIE-TOOTH DISEASE, AXONAL, AUTOSOMAL DOMINANT, TYPE 2Z; CHARCOT-MARIE-TOOTH NEUROPATHY, TYPE 2Z. Identifiers: Orphanet 466768, MedGen C5569025, MONDO:0014736, OMIM 616688.

Allele frequency attached by ClinVar (database versions not stated): gnomAD exomes 0.00001.
gnomAD v4.1: 5 of 1,613,640 alleles (0.00031%); highest among the groups gnomAD compares: Non-Finnish European, 0.00042%; no homozygotes.

Submission:

Labcorp Genetics (formerly Invitae), Labcorp
Classification: Uncertain significance for Charcot-Marie-Tooth disease axonal type 2Z. Last evaluated: 2023-01-16. Review status: criteria provided, single submitter. Criteria: Invitae Variant Classification Sherloc (09022015). Collection method: clinical testing. Allele origin: germline.
Comment: This sequence change replaces serine, which is neutral and polar, with threonine, which is neutral and polar, at codon 602 of the MORC2 protein (p.Ser602Thr). In summary, the available evidence is currently insufficient to determine the role of this variant in disease. Therefore, it has been classified as a Variant of Uncertain Significance. Advanced modeling of protein sequence and biophysical properties (such as structural, functional, and spatial information, amino acid conservation, physicochemical variation, residue mobility, and thermodynamic stability) performed at Invitae indicates that this missense variant is not expected to disrupt MORC2 protein function. This variant has not been reported in the literature in individuals affected with MORC2-related conditions. This variant is not present in population databases (gnomAD no frequency).

NM_001303256.3(MORC2):c.1804T>A (p.Ser602Thr)

Gene: MORC2 (MORC family CW-type zinc finger 2; minus strand). Cytogenetic location: 22q12.2.
Variant type: single nucleotide variant.
Coding change: c.1804T>A on transcript NM_001303256.3 (MANE Select); coding-DNA position 1804, T replaced by A.
Protein change: p.Ser602Thr; replaces serine 602 with threonine.
Molecular consequence: missense variant.
Genome position (GRCh38, 1-based): chr22:30,935,256, A>T on the plus strand (T>A on the coding strand, the complement: MORC2 is on the minus strand). VCF-style: chr22-30935256-A-T. GRCh37 (hg19) VCF-style: chr22-31331243-A-T.
Other names: c.1804T>A, p.Ser602Thr (NM_001303257.2); c.1618T>A, p.Ser540Thr (NM_014941.3); short protein forms S602T, S540T.
Identifiers: ClinVar variation 2908520 (VCV002908520.3), dbSNP rs2517581171, ClinGen allele CA411236196.